The following is an entry in ClinVar:

NM_000214.3(JAG1):c.1712C>A (p.Pro571His)

Gene: JAG1 (jagged canonical Notch ligand 1; minus strand). Cytogenetic location: 20p12.2.
Variant type: single nucleotide variant.
Coding change: c.1712C>A on transcript NM_000214.3 (MANE Select); coding-DNA position 1712, C replaced by A.
Protein change: p.Pro571His; replaces proline 571 with histidine.
Molecular consequence: missense variant.
Genome position (GRCh38, 1-based): chr20:10,647,968, G>T on the plus strand (C>A on the coding strand, the complement: JAG1 is on the minus strand). VCF-style: chr20-10647968-G-T. GRCh37 (hg19) VCF-style: chr20-10628616-G-T.
Other names: short protein forms P571H.
Identifiers: ClinVar variation 1778585 (VCV001778585.2), dbSNP rs770278916, ClinGen allele CA408236716.

ClinVar aggregate classification (germline): Uncertain significance (1 of 4 stars; one submission).

Conditions:
Cardiovascular phenotype. Identifiers: MedGen CN230736.

Submission:

Ambry Genetics
Classification: Uncertain significance for Cardiovascular phenotype. Last evaluated: 2021-07-22. Review status: criteria provided, single submitter. Criteria: Ambry Variant Classification Scheme 2023. Collection method: clinical testing. Allele origin: germline.
Comment: The p.P571H variant (also known as c.1712C>A), located in coding exon 13 of the JAG1 gene, results from a C to A substitution at nucleotide position 1712. The proline at codon 571 is replaced by histidine, an amino acid with similar properties. This amino acid position is conserved. In addition, the in silico prediction for this alteration is inconclusive. Since supporting evidence is limited at this time, the clinical significance of this alteration remains unclear.